The following is an entry in ClinVar:

NM_003873.7(NRP1):c.2317T>G (p.Ser773Ala)

Gene: NRP1 (neuropilin 1; minus strand). Cytogenetic location: 10p11.22.
Variant type: single nucleotide variant.
Coding change: c.2317T>G on transcript NM_003873.7 (MANE Select); coding-DNA position 2317, T replaced by G.
Protein change: p.Ser773Ala; replaces serine 773 with alanine.
Molecular consequence: missense variant. On other transcripts: non-coding transcript variant (1).
Genome position (GRCh38, 1-based): chr10:33,186,234, A>C on the plus strand (T>G on the coding strand, the complement: NRP1 is on the minus strand). VCF-style: chr10-33186234-A-C. GRCh37 (hg19) VCF-style: chr10-33475162-A-C.
Other names: c.2299T>G, p.Ser767Ala (NM_001244972.2); c.2296T>G, p.Ser766Ala (NM_001244973.2); c.2317T>G, p.Ser773Ala (NM_001330068.2); short protein forms S766A, S773A, S767A.
Identifiers: ClinVar variation 4991414 (VCV004991414.1).

ClinVar aggregate classification (germline): Uncertain significance (1 of 4 stars; one submission).

Conditions:
NRP1-related disorder. Also called: NRP1-related condition.

Submission:

PreventionGenetics, part of Exact Sciences
Classification: Uncertain significance for NRP1-related condition. Last evaluated: 2026-07-10. Review status: criteria provided, single submitter. Criteria: ACMG Guidelines, 2015. Collection method: clinical testing. Allele origin: germline.
Comment: The NRP1 c.2317T>G variant is predicted to result in the amino acid substitution p.Ser773Ala. To our knowledge, this variant has not been reported in the literature or in a large population database (gnomAD), indicating this variant is rare. At this time, the clinical significance of this variant is uncertain due to the absence of conclusive functional and genetic evidence.